The following is an entry in ClinVar:

NM_015978.3(TNNI3K):c.1894G>C (p.Ala632Pro)

Genes: FPGT-TNNI3K (FPGT-TNNI3K readthrough; plus strand), TNNI3K (TNNI3 interacting kinase; plus strand). Cytogenetic location: 1p31.1.
Variant type: single nucleotide variant.
Coding change: c.1894G>C on transcript NM_015978.3 (MANE Select); coding-DNA position 1894, G replaced by C.
Protein change: p.Ala632Pro; replaces alanine 632 with proline.
Molecular consequence: missense variant.
Genome position (GRCh38, 1-based): chr1:74,439,505, G>C. VCF-style: chr1-74439505-G-C. GRCh37 (hg19) VCF-style: chr1-74905189-G-C.
Other names: c.2197G>C, p.Ala733Pro (NM_001112808.3, NM_001199327.2); short protein forms A733P, A632P.
Identifiers: ClinVar variation 4730112 (VCV004730112.1).

ClinVar aggregate classification (germline): Uncertain significance (1 of 4 stars; one submission).

Submission:

Labcorp Genetics (formerly Invitae), Labcorp
Classification: Uncertain significance. Last evaluated: 2026-01-10. Review status: criteria provided, single submitter. Criteria: Invitae Variant Classification Sherloc (09022015). Collection method: clinical testing. Allele origin: germline.
Comment: This sequence change replaces alanine, which is neutral and non-polar, with proline, which is neutral and non-polar, at codon 632 of the TNNI3K protein (p.Ala632Pro). This variant is not present in population databases (gnomAD no frequency). This variant has not been reported in the literature in individuals affected with TNNI3K-related conditions. An algorithm developed to predict the effect of missense changes on protein structure and function (PolyPhen-2) suggests that this variant is likely to be disruptive. In summary, the available evidence is currently insufficient to determine the role of this variant in disease. Therefore, it has been classified as a Variant of Uncertain Significance.